The following is an entry in ClinVar:

NM_012210.4(TRIM32):c.*692C>G

Genes: ASTN2 (astrotactin 2; minus strand), TRIM32 (tripartite motif containing 32; plus strand). Cytogenetic location: 9q33.1.
Variant type: single nucleotide variant.
Coding change: c.*692C>G on transcript NM_012210.4 (MANE Select); 692 bases downstream of the stop codon, C replaced by G.
Molecular consequence: 3 prime UTR variant. On other transcripts: intron variant (3).
Genome position (GRCh38, 1-based): chr9:116,700,396, C>G. VCF-style: chr9-116700396-C-G. GRCh37 (hg19) VCF-style: chr9-119462675-C-G.
Other names: c.*692C>G (NM_001099679.2, NM_001379048.1, NM_001379049.1 and 1 more transcripts); c.2653+25375G>C (NM_014010.5); c.2794+25375G>C (NM_001365069.1); c.2806+25375G>C (NM_001365068.1).
Identifiers: ClinVar variation 364730 (VCV000364730.6), dbSNP rs116058338, ClinGen allele CA10632142.

ClinVar aggregate classification (germline): Conflicting classifications of pathogenicity. Review status: criteria provided, conflicting classifications (1 of 4 stars). 3 submissions from 2 submitters: Uncertain significance (1); Likely benign (2). Last evaluated 2021-09-16.

Conditions:
Bardet-Biedl syndrome 11 (BBS11). Identifiers: Orphanet 110, MedGen C1859569, MONDO:0014439, OMIM 615988.
Sarcotubular myopathy (LGMDR8). Also called: Limb-girdle muscular dystrophy, type 2H; Hutterite type of muscular dystrophy; Autosomal recessive limb-girdle muscular dystrophy type 2H; MUSCULAR DYSTROPHY, LIMB-GIRDLE, AUTOSOMAL RECESSIVE 8. Identifiers: Orphanet 1878, MedGen C0270968, MONDO:0009683, OMIM 254110.

Allele frequency attached by ClinVar (database versions not stated): 1000 Genomes Project 0.00399; 1000 Genomes Project 30x 0.00484; gnomAD 0.00494 and 0.00526; TOPMed 0.00546.

Submissions (3):

GeneDx
Classification: Likely benign. Last evaluated: 2021-09-16. Review status: criteria provided, single submitter. Criteria: GeneDx Variant Classification Process June 2021. Collection method: clinical testing. Allele origin: germline. Affected: yes.

Illumina Laboratory Services, Illumina
Classification: Uncertain significance for Sarcotubular myopathy. Last evaluated: 2018-01-13. Review status: criteria provided, single submitter. Criteria: ICSL Variant Classification Criteria 13 December 2019. Collection method: clinical testing. Allele origin: germline.

Illumina Laboratory Services, Illumina
Classification: Likely benign for Bardet-Biedl syndrome 11. Last evaluated: 2018-01-13. Review status: criteria provided, single submitter. Criteria: ICSL Variant Classification Criteria 13 December 2019. Collection method: clinical testing. Allele origin: germline.
Comment: This variant was observed in the ICSL laboratory as part of a predisposition screen in an ostensibly healthy population. It had not been previously curated by ICSL or reported in the Human Gene Mutation Database (HGMD: prior to June 1st, 2018), and was therefore a candidate for classification through an automated scoring system. Utilizing variant allele frequency, disease prevalence and penetrance estimates, and inheritance mode, an automated score was calculated to assess if this variant is too frequent to cause the disease. Based on the score and internal cut-off values, a variant classified as likely benign is not then subjected to further curation. The score for this variant resulted in a classification of likely benign for this disease.